The following is an entry in ClinVar:

NM_152281.3(GORAB):c.7C>T (p.Gln3Ter)

Genes: GORAB (golgin, RAB6 interacting; plus strand), GORAB-AS1 (GORAB antisense RNA 1; minus strand). Cytogenetic location: 1q24.2.
Variant type: single nucleotide variant.
Coding change: c.7C>T on transcript NM_152281.3 (MANE Select); coding-DNA position 7, C replaced by T.
Protein change: p.Gln3Ter; replaces glutamine 3 with a stop codon.
Molecular consequence: nonsense. On other transcripts: non-coding transcript variant (1), 5 prime UTR variant (1).
Genome position (GRCh38, 1-based): chr1:170,532,230, C>T. VCF-style: chr1-170532230-C-T. GRCh37 (hg19) VCF-style: chr1-170501371-C-T.
Other names: c.7C>T, p.Gln3Ter (NM_001410894.1, NM_001146039.2); c.-759C>T (NM_001320252.2); short protein forms Q3*.
Identifiers: ClinVar variation 2766333 (VCV002766333.3), dbSNP rs2525903868, ClinGen allele CA343160215.

ClinVar aggregate classification (germline): Pathogenic (1 of 4 stars; one submission).

Allele frequency attached by ClinVar (database versions not stated): gnomAD exomes below 0.00001.
gnomAD v4.1: 1 of 1,613,998 alleles (0.000062%); highest among the groups gnomAD compares: Non-Finnish European, 0.000085%; no homozygotes.

Submission:

Labcorp Genetics (formerly Invitae), Labcorp
Classification: Pathogenic. Last evaluated: 2023-10-16. Review status: criteria provided, single submitter. Criteria: Invitae Variant Classification Sherloc (09022015). Collection method: clinical testing. Allele origin: germline.
Comment: This sequence change creates a premature translational stop signal (p.Gln28*) in the GORAB gene. It is expected to result in an absent or disrupted protein product. Loss-of-function variants in GORAB are known to be pathogenic (PMID: 18997784, 19681135). This variant is not present in population databases (gnomAD no frequency). This variant has not been reported in the literature in individuals affected with GORAB-related conditions. Algorithms developed to predict the effect of sequence changes on RNA splicing suggest that this variant may create or strengthen a splice site. For these reasons, this variant has been classified as Pathogenic.

Literature cited by the submitters: PubMed 18997784; PubMed 19681135.